The following is an entry in ClinVar:

ClinVar aggregate classification (germline): Likely pathogenic (1 of 4 stars; one submission).

Conditions:
Cardiovascular phenotype. Identifiers: MedGen CN230736.

Submission:

Ambry Genetics
Classification: Likely pathogenic for Cardiovascular phenotype. Last evaluated: 2022-05-11. Review status: criteria provided, single submitter. Criteria: Ambry Variant Classification Scheme 2023. Collection method: clinical testing. Allele origin: germline.
Comment: The c.52080_52081delAA variant, located in coding exon 153 of the TTN gene, results from a deletion of two nucleotides at nucleotide positions 52080 to 52081, causing a translational frameshift with a predicted alternate stop codon (p.D17362Qfs*10). This exon is located in the A-band region of the N2-B isoform of the titin protein and is constitutively expressed in TTN transcripts (percent spliced in or PSI 100%). This variant is considered to be rare based on population cohorts in the Genome Aggregation Database (gnomAD). This alteration is expected to result in loss of function by premature protein truncation or nonsense-mediated mRNA decay. While truncating variants in TTN are present in 1-3% of the general population, truncating variants in the A-band are the most common cause of dilated cardiomyopathy (DCM) (Herman DS et al. N. Engl. J. Med., 2012 Feb;366:619-28; Roberts AM et al. Sci Transl Med, 2015 Jan;7:270ra6). TTN truncating variants encoded in constitutive exons (PSI >90%) have been found to be significantly associated with DCM regardless of their position in titin (Schafer S et al. Nat. Genet., 2017 01;49:46-53). As such, this alteration is classified as likely pathogenic.

NM_001267550.2(TTN):c.79275_79276del (p.Asp26427fs)

Genes: TTN (titin; minus strand), TTN-AS1 (TTN antisense RNA 1; plus strand). Cytogenetic location: 2q31.2.
Variant type: Deletion.
Coding change: c.79275_79276del on transcript NM_001267550.2 (MANE Select); coding-DNA positions 79275 to 79276, 2 bases deleted (AA; older notation c.79275_79276delAA).
Protein change: p.Asp26427fs; shifts the reading frame from aspartic acid 26427.
Molecular consequence: frameshift variant.
Genome position (GRCh38, 1-based): chr2:178,566,856-178,566,857, TT deleted on the plus strand (AA on the coding strand, the reverse complement: TTN is on the minus strand); deleting any 2 consecutive bases within chr2:178,566,856-178,566,859 gives the same sequence; the c. name uses the placement nearest the transcript's 3' end. VCF-style (leftmost placement, unchanged base first): chr2-178566855-CTT-C. GRCh37 (hg19) VCF-style: chr2-179431582-CTT-C.
Other names: c.74352_74353del, p.Asp24786fs (NM_001256850.1); c.52080_52081del, p.Asp17362fs (NM_003319.4); c.71571_71572del, p.Asp23859fs (NM_133378.4); c.52455_52456del, p.Asp17487fs (NM_133432.3); c.52656_52657del, p.Asp17554fs (NM_133437.4); c.52080_52081delAA (NM_003319.4); short protein forms D17362fs, D17554fs, D23859fs, D24786fs, D26427fs, D17487fs.
Identifiers: ClinVar variation 1746075 (VCV001746075.2), dbSNP rs2468301810, ClinGen allele CA2580064623.
Genomic context (GRCh38, chr2:178,566,855, plus strand): 5'-AGACGCAAATCTGTAATGCGGCGTTTATTACATTTTATCCATCGAATGCCACTTCTGTCT[CTT>C]TTCTCTACAATGTAACCAATAATCTCACTTCCACCATCACTATCTGGACGGTTCCAACAG-3'